The following is an entry in ClinVar:

ClinVar aggregate classification (germline): Uncertain significance (1 of 4 stars; one submission).

Conditions:
Nephronophthisis. Also called: Juvenile Nephronophthisis. Identifiers: Orphanet 655, MedGen C0687120, MONDO:0019005, HP:0000090.

gnomAD v4.1: 8 of 1,614,102 alleles (0.0005%); highest among the groups gnomAD compares: Admixed American, 0.0033%; no homozygotes.

Submission:

Labcorp Genetics (formerly Invitae), Labcorp
Classification: Uncertain significance for Nephronophthisis. Last evaluated: 2024-10-28. Review status: criteria provided, single submitter. Criteria: Invitae Variant Classification Sherloc (09022015). Collection method: clinical testing. Allele origin: germline.
Comment: This sequence change replaces lysine, which is basic and polar, with asparagine, which is neutral and polar, at codon 598 of the NPHP3 protein (p.Lys598Asn). This variant is present in population databases (no rsID available, gnomAD 0.003%). This variant has not been reported in the literature in individuals affected with NPHP3-related conditions. ClinVar contains an entry for this variant (Variation ID: 2062107). Invitae Evidence Modeling of protein sequence and biophysical properties (such as structural, functional, and spatial information, amino acid conservation, physicochemical variation, residue mobility, and thermodynamic stability) indicates that this missense variant is not expected to disrupt NPHP3 protein function with a negative predictive value of 80%. In summary, the available evidence is currently insufficient to determine the role of this variant in disease. Therefore, it has been classified as a Variant of Uncertain Significance.

NM_153240.5(NPHP3):c.1794G>C (p.Lys598Asn)

Genes: NPHP3 (nephrocystin 3; minus strand), NPHP3-ACAD11 (NPHP3-ACAD11 readthrough (NMD candidate); minus strand). Cytogenetic location: 3q22.1.
Variant type: single nucleotide variant.
Coding change: c.1794G>C on transcript NM_153240.5 (MANE Select); coding-DNA position 1794, G replaced by C.
Protein change: p.Lys598Asn; replaces lysine 598 with asparagine.
Molecular consequence: missense variant. On other transcripts: non-coding transcript variant (1).
Genome position (GRCh38, 1-based): chr3:132,700,011, C>G on the plus strand (G>C on the coding strand, the complement: NPHP3 is on the minus strand). VCF-style: chr3-132700011-C-G. GRCh37 (hg19) VCF-style: chr3-132418855-C-G.
Other names: short protein forms K598N.
Identifiers: ClinVar variation 2062107 (VCV002062107.3), dbSNP rs1224208728, ClinGen allele CA354582792.